The following is an entry in ClinVar:

ClinVar aggregate classification (germline): Conflicting classifications of pathogenicity. Review status: criteria provided, conflicting classifications (1 of 4 stars). 3 submissions from 3 submitters: Uncertain significance (1); Likely benign (2). Last evaluated 2026-01-01.

Conditions:
Inborn genetic diseases. Identifiers: MedGen C0950123, MeSH D030342.

Allele frequency attached by ClinVar (database versions not stated): ExAC 0.00007; TOPMed 0.00007; gnomAD 0.00008; gnomAD exomes 0.00008; 1000 Genomes Project 30x 0.00016; 1000 Genomes Project 0.00020.
gnomAD v4.1: 140 of 1,614,008 alleles (0.0087%); highest among the groups gnomAD compares: African/African-American, 0.016%; no homozygotes.

Submissions (3):

CeGaT Center for Human Genetics Tuebingen
Classification: Likely benign. Last evaluated: 2026-01-01. Review status: criteria provided, single submitter. Criteria: CeGaT Center For Human Genetics Tuebingen Variant Classification Criteria Version 2. Collection method: clinical testing. Allele origin: germline. Affected: yes. Observed: 1 variant allele.
Comment: ASXL2: BP4

Labcorp Genetics (formerly Invitae), Labcorp
Classification: Uncertain significance. Last evaluated: 2025-07-22. Review status: criteria provided, single submitter. Criteria: Invitae Variant Classification Sherloc (09022015). Collection method: clinical testing. Allele origin: germline.
Comment: This sequence change replaces leucine, which is neutral and non-polar, with serine, which is neutral and polar, at codon 896 of the ASXL2 protein (p.Leu896Ser). This variant is present in population databases (rs199600413, gnomAD 0.007%). This variant has not been reported in the literature in individuals affected with ASXL2-related conditions. ClinVar contains an entry for this variant (Variation ID: 2716289). Invitae Evidence Modeling of protein sequence and biophysical properties (such as structural, functional, and spatial information, amino acid conservation, physicochemical variation, residue mobility, and thermodynamic stability) indicates that this missense variant is not expected to disrupt ASXL2 protein function with a negative predictive value of 80%. In summary, the available evidence is currently insufficient to determine the role of this variant in disease. Therefore, it has been classified as a Variant of Uncertain Significance.

Ambry Genetics
Classification: Likely benign for Inborn genetic diseases. Last evaluated: 2025-01-21. Review status: criteria provided, single submitter. Criteria: Ambry Variant Classification Scheme 2023. Collection method: clinical testing. Allele origin: germline.

NM_018263.6(ASXL2):c.2687T>C (p.Leu896Ser)

Gene: ASXL2 (ASXL transcriptional regulator 2; minus strand). Cytogenetic location: 2p23.3.
Variant type: single nucleotide variant.
Coding change: c.2687T>C on transcript NM_018263.6 (MANE Select); coding-DNA position 2687, T replaced by C.
Protein change: p.Leu896Ser; replaces leucine 896 with serine.
Molecular consequence: missense variant.
Genome position (GRCh38, 1-based): chr2:25,743,650, A>G on the plus strand (T>C on the coding strand, the complement: ASXL2 is on the minus strand). VCF-style: chr2-25743650-A-G. GRCh37 (hg19) VCF-style: chr2-25966519-A-G.
Other names: c.2687T>C (NM_018263.4); c.2513T>C, p.Leu838Ser (NM_001369346.1); c.1907T>C, p.Leu636Ser (NM_001369347.1); short protein forms L636S, L838S, L896S.
Identifiers: ClinVar variation 2716289 (VCV002716289.8), dbSNP rs199600413, ClinGen allele CA1557596.